The following is an entry in ClinVar:

NM_005591.4(MRE11):c.325G>A (p.Val109Met)

Gene: MRE11 (MRE11 double strand break repair nuclease; minus strand). Cytogenetic location: 11q21.
Variant type: single nucleotide variant.
Coding change: c.325G>A on transcript NM_005591.4 (MANE Select); coding-DNA position 325, G replaced by A.
Protein change: p.Val109Met; replaces valine 109 with methionine.
Molecular consequence: missense variant.
Genome position (GRCh38, 1-based): chr11:94,479,751, C>T on the plus strand (G>A on the coding strand, the complement: MRE11 is on the minus strand). VCF-style: chr11-94479751-C-T. GRCh37 (hg19) VCF-style: chr11-94212917-C-T.
Other names: c.325G>A, p.Val109Met (NM_001330347.2, NM_005590.4); short protein forms V109M.
Identifiers: ClinVar variation 1800194 (VCV001800194.2), dbSNP rs2135091761, ClinGen allele CA382378653.

ClinVar aggregate classification (germline): Uncertain significance (1 of 4 stars; one submission).

Conditions:
Hereditary cancer-predisposing syndrome. Also called: Neoplastic Syndromes, Hereditary; Tumor predisposition; Hereditary Cancer Syndrome; Hereditary neoplastic syndrome. Identifiers: Orphanet 140162, MedGen C0027672, MeSH D009386, MONDO:0015356.

Submission:

Ambry Genetics
Classification: Uncertain significance for Hereditary cancer-predisposing syndrome. Last evaluated: 2022-08-09. Review status: criteria provided, single submitter. Criteria: Ambry Variant Classification Scheme 2023. Collection method: clinical testing. Allele origin: germline.
Comment: The p.V109M variant (also known as c.325G>A), located in coding exon 4 of the MRE11A gene, results from a G to A substitution at nucleotide position 325. The valine at codon 109 is replaced by methionine, an amino acid with highly similar properties. This amino acid position is conserved. In addition, this alteration is predicted to be deleterious by in silico analysis. Since supporting evidence is limited at this time, the clinical significance of this alteration remains unclear.